The following is an entry in ClinVar:

ClinVar aggregate classification (germline): Uncertain significance (1 of 4 stars; one submission).

Conditions:
Congenital contractural arachnodactyly (CCA). Also called: BEALS SYNDROME; Arthrogryposis, distal, type 9; Beals-Hecht syndrome. Identifiers: Orphanet 115, MedGen C0220668, MONDO:0007363, OMIM 121050.

Allele frequency attached by ClinVar (database versions not stated): gnomAD exomes below 0.00001; TOPMed below 0.00001.
gnomAD v4.1: 1 of 1,614,078 alleles (0.000062%); highest among the groups gnomAD compares: Middle Eastern, 0.016%; no homozygotes.

Submission:

Labcorp Genetics (formerly Invitae), Labcorp
Classification: Uncertain significance for Congenital contractural arachnodactyly. Last evaluated: 2018-08-12. Review status: criteria provided, single submitter. Criteria: Invitae Variant Classification Sherloc (09022015). Collection method: clinical testing. Allele origin: germline.
Comment: This sequence change replaces glycine with serine at codon 1239 of the FBN2 protein (p.Gly1239Ser). The glycine residue is highly conserved and there is a small physicochemical difference between glycine and serine. This variant is not present in population databases (ExAC no frequency) and has not been reported in the literature in individuals with a FBN2-related disease. Algorithms developed to predict the effect of missense changes on protein structure and function (SIFT, PolyPhen-2, Align-GVGD) all suggest that this variant is likely to be tolerated, but these predictions have not been confirmed by published functional studies. In summary, this variant is a novel missense change that is not predicted to affect protein function. There is no indication that it causes disease, but the available evidence is currently insufficient to prove that conclusively. Therefore, it has been classified as a Variant of Uncertain Significance.

NM_001999.4(FBN2):c.3715G>A (p.Gly1239Ser)

Gene: FBN2 (fibrillin 2; minus strand). Cytogenetic location: 5q23.3.
Variant type: single nucleotide variant.
Coding change: c.3715G>A on transcript NM_001999.4 (MANE Select); coding-DNA position 3715, G replaced by A.
Protein change: p.Gly1239Ser; replaces glycine 1239 with serine.
Molecular consequence: missense variant.
Genome position (GRCh38, 1-based): chr5:128,335,997, C>T on the plus strand (G>A on the coding strand, the complement: FBN2 is on the minus strand). VCF-style: chr5-128335997-C-T. GRCh37 (hg19) VCF-style: chr5-127671689-C-T.
Other names: short protein forms G1239S.
Identifiers: ClinVar variation 411827 (VCV000411827.10), dbSNP rs778784375, ClinGen allele CA16611786.